The following is an entry in ClinVar:

ClinVar aggregate classification (germline): Uncertain significance (1 of 4 stars; one submission).

Submission:

Women's Health and Genetics/Laboratory Corporation of America, LabCorp
Classification: Uncertain significance. Last evaluated: 2026-06-04. Review status: criteria provided, single submitter. Criteria: LabCorp Variant Classification Summary - May 2015. Collection method: clinical testing. Allele origin: germline.
Comment: Variant summary: The variant involves the duplication of exons 1-16 in the CYFIP1 gene. A presumed nomenclature of c.(?_-89)_1698dup has been designated for the purposes of this classification. It is assumed to be a tandem duplication in direct orientation (PMIDs: 25640679, 30054569). This Copy Number Variant (CNV) involves a partial duplication of exon 16. The exact breakpoint at the 5' end of this variant is unknown, therefore this duplication may extend upstream of the annotated region of this gene. It is predicted to duplicate a segment including the initiation codon, therefore its impact on the encoded protein is unknown. The variant was absent in 21690 control chromosomes. The available data on variant occurrences in the general population are insufficient to allow any conclusion about variant significance. To our knowledge, no occurrence of c.(?_-89)_1698dup in individuals affected with CYFIP1-related conditions and no experimental evidence demonstrating its impact on protein function have been reported. No submitters have cited clinical-significance assessments for this variant to ClinVar. Based on the evidence outlined above, the variant was classified as uncertain significance.

NC_000015.9:g.(?_22892699)_22956461dup

Gene: CYFIP1 (cytoplasmic FMR1 interacting protein 1; minus strand). Cytogenetic location: 15q11.2.
Variant type: Duplication.
Identifiers: ClinVar variation 4887524 (VCV004887524.1).